The following is an entry in ClinVar:

ClinVar aggregate classification (germline): Likely pathogenic. Review status: criteria provided, multiple submitters, no conflicts (2 of 4 stars). 4 submissions from 4 submitters: Likely pathogenic (4). Last evaluated 2025-09-10.

Conditions:
X-linked Alport syndrome (ATS1). Also called: COL4A5-Related Nephropathy; NEPHROPATHY AND DEAFNESS, X-LINKED. Identifiers: Orphanet 63, Orphanet 88917, MedGen C4746986, MONDO:0010520, OMIM 301050.

Allele frequency attached by ClinVar (database versions not stated): TOPMed 0.00001.

Submissions (4):

Natera, Inc.
Classification: Likely pathogenic for X-linked Alport syndrome. Last evaluated: 2025-09-10. Review status: criteria provided, single submitter. Criteria: Natera Variant Classification Schema (03/2026). Collection method: clinical testing. Allele origin: germline.
Comment: The c.3889G>T variant in COL4A5 is a missense variant predicted to cause substitution of glycine to cysteine at amino acid 1297. This variant is rare in the general population with a frequency below the threshold expected for the associated phenotype(s). This variant is located in a functionally critical region of the protein. Computational prediction algorithms indicate this variant is likely to affect gene or protein function. Given the available evidence, this variant is classified as Likely Pathogenic.

Fulgent Genetics
Classification: Likely pathogenic for X-linked Alport syndrome. Last evaluated: 2024-02-28. Review status: criteria provided, single submitter. Criteria: ACMG Guidelines, 2015. Collection method: clinical testing. Allele origin: germline.

Women's Health and Genetics/Laboratory Corporation of America, LabCorp
Classification: Likely pathogenic for X-linked Alport syndrome. Last evaluated: 2023-08-04. Review status: criteria provided, single submitter. Criteria: LabCorp Variant Classification Summary - May 2015. Collection method: clinical testing. Allele origin: germline.
Comment: Variant summary: COL4A5 c.3889G>T (p.Gly1297Cys) results in a non-conservative amino acid change located in the Collagen triple helix repeat (IPR008160) of the encoded protein sequence and disrupts a Gly-X-Y repeat in the collagenous domain of the collagen IV alpha 5 chain. Most COL4A5 mutations in patients with Alport syndrome have been reported to reside in the collagenous domain (Hertz, 2009 and HGMD database). Five of five in-silico tools predict a damaging effect of the variant on protein function. The variant was absent in 182951 control chromosomes (gnomAD). The available data on variant occurrences in the general population are insufficient to allow any conclusion about variant significance. To our knowledge, no occurrence of c.3889G>T in individuals affected with Alport Syndrome 1, X-Linked Recessive and no experimental evidence demonstrating its impact on protein function have been reported. One submitter has cited a clinical-significance assessment for this variant to ClinVar after 2014 and has classified the variant as likely pathogenic. Based on the evidence outlined above, the variant was classified as likely pathogenic.

Labcorp Genetics (formerly Invitae), Labcorp
Classification: Likely pathogenic. Last evaluated: 2020-07-13. Review status: criteria provided, single submitter. Criteria: Invitae Variant Classification Sherloc (09022015). Collection method: clinical testing. Allele origin: germline.
Comment: Glycine residues within the Gly-Xaa-Yaa repeats of the triple helix domain are required for the structure and stability of fibrillar collagens (PMID: 7695699, 8218237, 19344236). In COL4A5, missense variants at these glycine residues are significantly enriched in individuals with disease (PMID: 23720012, 27627812) compared to the general population (ExAC). In summary, the currently available evidence indicates that the variant is pathogenic, but additional data are needed to prove that conclusively. Therefore, this variant has been classified as Likely Pathogenic. This sequence change replaces glycine with cysteine at codon 1297 of the COL4A5 protein (p.Gly1297Cys). The glycine residue is highly conserved and there is a large physicochemical difference between glycine and cysteine. This variant is not present in population databases (ExAC no frequency). This variant has not been reported in the literature in individuals with COL4A5-related conditions. Algorithms developed to predict the effect of missense changes on protein structure and function are either unavailable or do not agree on the potential impact of this missense change (SIFT: "Deleterious"; PolyPhen-2: "Probably Damaging"; Align-GVGD: "Class C0").

Literature cited by the submitters: PubMed 7695699 (cited by Labcorp Genetics (formerly Invitae), Labcorp); PubMed 8218237 (cited by Labcorp Genetics (formerly Invitae), Labcorp); PubMed 19344236 (cited by Labcorp Genetics (formerly Invitae), Labcorp); PubMed 23720012 (cited by Labcorp Genetics (formerly Invitae), Labcorp); PubMed 27627812 (cited by Labcorp Genetics (formerly Invitae), Labcorp).

NM_033380.3(COL4A5):c.3907G>T (p.Gly1303Cys)

Gene: COL4A5 (collagen type IV alpha 5 chain; plus strand). Cytogenetic location: Xq22.3.
Variant type: single nucleotide variant.
Coding change: c.3907G>T on transcript NM_033380.3 (MANE Select); coding-DNA position 3907, G replaced by T.
Protein change: p.Gly1303Cys; replaces glycine 1303 with cysteine.
Molecular consequence: missense variant.
Genome position (GRCh38, 1-based): chrX:108,677,598, G>T. VCF-style: chrX-108677598-G-T. GRCh37 (hg19) VCF-style: chrX-107920828-G-T.
Other names: c.3889G>T (NM_000495.4); c.3889G>T, p.Gly1297Cys (NM_000495.5); short protein forms G1297C, G1303C.
Identifiers: ClinVar variation 1066396 (VCV001066396.11), dbSNP rs1327176357, ClinGen allele CA413850853.
Genomic context (GRCh38, chrX:108,677,598, plus strand): 5'-AATGGAGGTATTAAAGGAGAGAAGGGAAATCCAGGCCAACCTGGGCTACCTGGCTTGCCT[G>T]GTTTGAAAGGAGATCAAGGACCACCAGGACTCCAGGTAGGAAATGGAAGTAGATATCTGA-3'
Protein context (NP_203699.1, residues 1293-1313): PGQPGLPGLP[Gly1303Cys]LKGDQGPPGL